The following is an entry in ClinVar:

ClinVar aggregate classification (germline): Pathogenic/Likely pathogenic. Review status: criteria provided, multiple submitters, no conflicts (2 of 4 stars). 2 submissions from 2 submitters: Pathogenic (1); Likely pathogenic (1). Last evaluated 2023-01-16.

Conditions:
TULP1-related disorder. Also called: TULP1-related condition; TULP1-related disorders.

Submissions (2):

Labcorp Genetics (formerly Invitae), Labcorp
Classification: Pathogenic. Last evaluated: 2023-01-16. Review status: criteria provided, single submitter. Criteria: Invitae Variant Classification Sherloc (09022015). Collection method: clinical testing. Allele origin: germline.
Comment: This variant has been observed in individual(s) with TULP1-related conditions (PMID: 18055821, 29178642). In at least one individual the data is consistent with being in trans (on the opposite chromosome) from a pathogenic variant. It has also been observed to segregate with disease in related individuals. This variant is not present in population databases (gnomAD no frequency). This sequence change falls in intron 10 of the TULP1 gene. It does not directly change the encoded amino acid sequence of the TULP1 protein. It affects a nucleotide within the consensus splice site. Variants that disrupt the consensus splice site are a relatively common cause of aberrant splicing (PMID: 17576681, 9536098). Algorithms developed to predict the effect of sequence changes on RNA splicing suggest that this variant may disrupt the consensus splice site. For these reasons, this variant has been classified as Pathogenic.

Blueprint Genetics
Classification: Likely pathogenic for TULP1-related disorders. Last evaluated: 2018-06-13. Review status: criteria provided, single submitter. Criteria: ACMG Guidelines, 2015. Collection method: clinical testing. Allele origin: germline. Affected: yes. Observed: 1 variant allele.

Literature cited by the submitters: PubMed 18055821 (cited by Labcorp Genetics (formerly Invitae), Labcorp); PubMed 29178642 (cited by Labcorp Genetics (formerly Invitae), Labcorp); PubMed 17576681 (cited by Labcorp Genetics (formerly Invitae), Labcorp); PubMed 9536098 (cited by Labcorp Genetics (formerly Invitae), Labcorp).

NM_003322.6(TULP1):c.999+5G>C

Gene: TULP1 (TUB like protein 1; minus strand). Cytogenetic location: 6p21.31.
Variant type: single nucleotide variant.
Coding change: c.999+5G>C on transcript NM_003322.6 (MANE Select); 5 bases into the intron after coding-DNA position 999, G replaced by C.
Molecular consequence: intron variant.
Genome position (GRCh38, 1-based): chr6:35,505,998, C>G on the plus strand (G>C on the coding strand, the complement: TULP1 is on the minus strand). VCF-style: chr6-35505998-C-G. GRCh37 (hg19) VCF-style: chr6-35473775-C-G.
Other names: c.840+5G>C (NM_001289395.2).
Identifiers: ClinVar variation 2136381 (VCV002136381.5), dbSNP rs2150925392, ClinGen allele CA2580074433.